The following is an entry in ClinVar:

ClinVar aggregate classification (germline): Uncertain significance (1 of 4 stars; one submission).

Submission:

Labcorp Genetics (formerly Invitae), Labcorp
Classification: Uncertain significance. Last evaluated: 2026-01-26. Review status: criteria provided, single submitter. Criteria: Invitae Variant Classification Sherloc (09022015). Collection method: clinical testing. Allele origin: germline.
Comment: This sequence change replaces glycine, which is neutral and non-polar, with aspartic acid, which is acidic and polar, at codon 35 of the NFATC1 protein (p.Gly35Asp). Information on the frequency of this variant in the gnomAD database is not available, as this variant may be reported differently in the database. This variant has not been reported in the literature in individuals affected with NFATC1-related conditions. ClinVar contains an entry for this variant (Variation ID: 2169013). An algorithm developed to predict the effect of missense changes on protein structure and function (PolyPhen-2) suggests that this variant is likely to be tolerated. In summary, the available evidence is currently insufficient to determine the role of this variant in disease. Therefore, it has been classified as a Variant of Uncertain Significance.

NM_001278669.2(NFATC1):c.104_105delinsAT (p.Gly35Asp)

Gene: NFATC1 (nuclear factor of activated T cells 1; plus strand). Cytogenetic location: 18q23.
Variant type: Indel.
Coding change: c.104_105delinsAT on transcript NM_001278669.2 (MANE Select); coding-DNA positions 104 to 105, GC replaced by AT.
Protein change: p.Gly35Asp; replaces glycine 35 with aspartic acid.
Molecular consequence: missense variant. On other transcripts: 5 prime UTR variant (1).
Genome position (GRCh38, 1-based): chr18:79,396,328-79,396,329, GC replaced by AT. VCF-style: chr18-79396328-GC-AT. GRCh37 (hg19) VCF-style: chr18-77156328-GC-AT.
Other names: c.104_105delinsAT, p.Gly35Asp (NM_001278670.2, NM_006162.5, NM_172390.3); c.-214_-213delinsAT (NM_172388.3); short protein forms G35D.
Identifiers: ClinVar variation 2169013 (VCV002169013.4), dbSNP rs2517341750, ClinGen allele CA2580096006.